The following is an entry in ClinVar:

ClinVar aggregate classification (germline): Pathogenic/Likely pathogenic. Review status: criteria provided, multiple submitters, no conflicts (2 of 4 stars). 7 submissions from 7 submitters: Pathogenic (4); Likely pathogenic (2). 1 of the submissions does not count toward it. Last evaluated 2026-06-12.

Conditions:
ATP7B-related disorder. Also called: ATP7B-related condition.
Wilson disease (WND). Also called: Wilson's disease. Identifiers: Orphanet 905, MedGen C0019202, MONDO:0010200, OMIM 277900. Disease mechanism: loss of function.

Allele frequency attached by ClinVar (database versions not stated): TOPMed below 0.00001; gnomAD 0.00001.
gnomAD v4.1: 1 of 1,614,088 alleles (0.000062%); highest among the groups gnomAD compares: Admixed American, 0.0017%; no homozygotes.

Submissions (7):

PreventionGenetics, part of Exact Sciences
Classification: Pathogenic for ATP7B-related condition. Last evaluated: 2026-06-12. Review status: criteria provided, single submitter. Criteria: ACMG Guidelines, 2015. Collection method: clinical testing. Allele origin: germline.
Comment: The ATP7B c.254G>T variant is predicted to result in the amino acid substitution p.Gly85Val. This variant has been reported in the homozygous state or with a second causative ATP7B variant in individuals with a diagnosis or clinical suspicion of Wilson disease (WD) (Li et al. 2019. PubMed ID: 30702195; Table S2, Gorukmez et al. 2023. PubMed ID: 37737146; Table S2, Coffey et al. 2013. PubMed ID: 23518715; Internal Data, PreventionGenetics). Functional studies demonstrate increased binding to COMMD1, mislocalization, accelerated protein degradation, and reduced catalytic activity (de Bie et al. 2007. PubMed ID: 17919502; van den Berghe et al. 2009. PubMed ID: 19937698; Huster et al. 2012. PubMed ID: 22240481; Li et al. 2019. PubMed ID: 30702195). This variant has not been reported in a large population database (gnomAD), indicating this variant is rare and is interpreted as likely pathogenic/pathogenic in ClinVar (Variation ID: 189037). This variant is interpreted as pathogenic.

Natera, Inc.
Classification: Pathogenic for Wilson disease. Last evaluated: 2025-09-16. Review status: criteria provided, single submitter. Criteria: Natera Variant Classification Schema (03/2026). Collection method: clinical testing. Allele origin: germline.
Comment: The c.254G>T variant in ATP7B is a missense variant predicted to cause substitution of glycine to valine at amino acid 85. This variant is rare in the general population with a frequency below the threshold expected for the associated phenotype(s). This variant has been observed in one or more individuals affected with the associated recessive disease, as either homozygous or compound heterozygous with a second variant (PMID: 32043565, 30702195). Additionally, this variant has been observed to segregate in affected family members (PMID: 32043565). Functional studies show that this variant may disrupt protein function (PMID: 10557326, 19937698, 17919502). Computational prediction algorithms indicate this variant is likely to affect gene or protein function. Given the available evidence, this variant is classified as Pathogenic.

Women's Health and Genetics/Laboratory Corporation of America, LabCorp
Classification: Pathogenic for Wilson disease. Last evaluated: 2025-07-01. Review status: criteria provided, single submitter. Criteria: LabCorp Variant Classification Summary - May 2015. Collection method: clinical testing. Allele origin: germline.
Comment: Variant summary: ATP7B c.254G>T (p.Gly85Val) results in a non-conservative amino acid change in the encoded protein sequence. Algorithms developed to predict the effect of missense changes on protein structure and function all suggest that this variant is likely to be disruptive. The variant was absent in 249242 control chromosomes (gnomAD). c.254G>T has been observed in individuals affected with Wilson Disease (e.g., Loudianos_1998, Sanchez-Monteagudo_2020, Zhang_2022, Gorukmez_2023). These data indicate that the variant is likely to be associated with disease. At least one publication reports experimental evidence evaluating an impact on protein function, finding that the variant results in <10% of normal copper uptake activity as well as severely reduced phosphorylation activity (e.g., Huster_2012). The following publications have been ascertained in the context of this evaluation (PMID: 22240481, 9671269, 32043565, 35220961). ClinVar contains an entry for this variant (Variation ID: 189037). Based on the evidence outlined above, the variant was classified as pathogenic.

Labcorp Genetics (formerly Invitae), Labcorp
Classification: Pathogenic for Wilson disease. Last evaluated: 2024-04-08. Review status: criteria provided, single submitter. Criteria: Invitae Variant Classification Sherloc (09022015). Collection method: clinical testing. Allele origin: germline.
Comment: This sequence change replaces glycine, which is neutral and non-polar, with valine, which is neutral and non-polar, at codon 85 of the ATP7B protein (p.Gly85Val). This variant is not present in population databases (gnomAD no frequency). This missense change has been observed in individuals with Wilson disease (PMID: 30702195, 32043565). ClinVar contains an entry for this variant (Variation ID: 189037). Advanced modeling of protein sequence and biophysical properties (such as structural, functional, and spatial information, amino acid conservation, physicochemical variation, residue mobility, and thermodynamic stability) performed at Invitae indicates that this missense variant is expected to disrupt ATP7B protein function with a positive predictive value of 95%. Experimental studies have shown that this missense change affects ATP7B function (PMID: 17919502, 30702195). This variant disrupts the p.Gly85 amino acid residue in ATP7B. Other variant(s) that disrupt this residue have been determined to be pathogenic (Invitae). This suggests that this residue is clinically significant, and that variants that disrupt this residue are likely to be disease-causing. For these reasons, this variant has been classified as Pathogenic.

Blueprint Genetics
Classification: Likely pathogenic for ATP7B-related disorders. Last evaluated: 2021-05-04. Review status: criteria provided, single submitter. Criteria: ACMG Guidelines, 2015. Collection method: clinical testing. Allele origin: germline. Affected: yes. Observed: 2 variant alleles.

SIB Swiss Institute of Bioinformatics
Classification: Likely pathogenic for Wilson disease. Last evaluated: 2018-10-15. Review status: criteria provided, single submitter. Criteria: ACMG Guidelines, 2015. Collection method: curation. Allele origin: germline.
Comment: This variant is interpreted as Likely Pathogenic, for Wilson disease, autosomal recessive. The following ACMG Tag(s) were applied: PM2 => Absent from controls (or at extremely low frequency if recessive) in Exome Sequencing Project, 1000 Genomes Project, or Exome Aggregation Consortium. PP3 => Multiple lines of computational evidence support a deleterious effect on the gene or gene product. PS3 => Well-established functional studies show a deleterious effect.The variant affects copper transport. (PubMed 22240481).

Counsyl
Classification: Likely pathogenic for Wilson's disease. Last evaluated: 2014-10-24. Review status: no assertion criteria provided. Collection method: literature only. Allele origin: unknown. Inheritance: Autosomal recessive inheritance. Not counted in ClinVar's aggregate classification.

Literature cited by the submitters: PubMed 32043565 (cited by 3 submitters); PubMed 30702195 (cited by Natera, Inc. and Labcorp Genetics (formerly Invitae), Labcorp); PubMed 10557326 (cited by Natera, Inc.); PubMed 19937698 (cited by Natera, Inc. and Counsyl); PubMed 17919502 (cited by 3 submitters); PubMed 9671269 (cited by Women's Health and Genetics/Laboratory Corporation of America, LabCorp and Counsyl); PubMed 22240481 (cited by 3 submitters); PubMed 35220961 (cited by Women's Health and Genetics/Laboratory Corporation of America, LabCorp); PubMed 22308153 (cited by Counsyl); PubMed 14986826 (cited by Counsyl); PubMed 23518715 (cited by Counsyl).

NM_000053.4(ATP7B):c.254G>T (p.Gly85Val)

Gene: ATP7B (ATPase copper transporting beta; minus strand). Cytogenetic location: 13q14.3.
Variant type: single nucleotide variant.
Coding change: c.254G>T on transcript NM_000053.4 (MANE Select); coding-DNA position 254, G replaced by T.
Protein change: p.Gly85Val; replaces glycine 85 with valine.
Molecular consequence: missense variant.
Genome position (GRCh38, 1-based): chr13:51,974,966, C>A on the plus strand (G>T on the coding strand, the complement: ATP7B is on the minus strand). VCF-style: chr13-51974966-C-A. GRCh37 (hg19) VCF-style: chr13-52549102-C-A.
Other names: c.254G>T, p.Gly85Val (NM_001005918.3, NM_001243182.2, NM_001330578.2 and 1 more transcripts); short protein forms G85V.
Identifiers: ClinVar variation 189037 (VCV000189037.14), dbSNP rs786204643, ClinGen allele CA274300.